The following is an entry in ClinVar:

ClinVar aggregate classification (germline): Uncertain significance (1 of 4 stars; one submission).

Conditions:
Arrhythmogenic right ventricular dysplasia 8 (ARVD8). Also called: ARRHYTHMOGENIC RIGHT VENTRICULAR DYSPLASIA, FAMILIAL, 8; Arrhythmogenic Right Ventricular Dysplasia/Cardiomyopathy 8; ARRHYTHMOGENIC RIGHT VENTRICULAR CARDIOMYOPATHY 8. Identifiers: MedGen C1843896, MONDO:0011831, OMIM 607450.
Arrhythmogenic cardiomyopathy with wooly hair and keratoderma. Also called: Carvajal syndrome; Dilated cardiomyopathy with woolly hair and keratoderma; PALMOPLANTAR KERATODERMA WITH LEFT VENTRICULAR CARDIOMYOPATHY AND WOOLLY HAIR; Arrhythmogenic cardiomyopathy with woolly hair and keratoderma. Identifiers: Orphanet 65282, MedGen C1854063, MONDO:0011581, OMIM 605676.

Submission:

Labcorp Genetics (formerly Invitae), Labcorp
Classification: Uncertain significance for Arrhythmogenic cardiomyopathy with wooly hair and keratoderma; Arrhythmogenic right ventricular dysplasia 8. Last evaluated: 2022-05-22. Review status: criteria provided, single submitter. Criteria: Invitae Variant Classification Sherloc (09022015). Collection method: clinical testing. Allele origin: germline.
Comment: In summary, the available evidence is currently insufficient to determine the role of this variant in disease. Therefore, it has been classified as a Variant of Uncertain Significance. Algorithms developed to predict the effect of missense changes on protein structure and function (SIFT, PolyPhen-2, Align-GVGD) all suggest that this variant is likely to be tolerated. This variant has not been reported in the literature in individuals affected with DSP-related conditions. This variant is not present in population databases (gnomAD no frequency). This sequence change replaces cysteine, which is neutral and slightly polar, with phenylalanine, which is neutral and non-polar, at codon 1589 of the DSP protein (p.Cys1589Phe).

NM_004415.4(DSP):c.4766G>T (p.Cys1589Phe)

Gene: DSP (desmoplakin; plus strand). Cytogenetic location: 6p24.3.
Variant type: single nucleotide variant.
Coding change: c.4766G>T on transcript NM_004415.4 (MANE Select); coding-DNA position 4766, G replaced by T.
Protein change: p.Cys1589Phe; replaces cysteine 1589 with phenylalanine.
Molecular consequence: missense variant. On other transcripts: intron variant (2).
Genome position (GRCh38, 1-based): chr6:7,580,956, G>T. VCF-style: chr6-7580956-G-T. GRCh37 (hg19) VCF-style: chr6-7581189-G-T.
Other names: c.4050+716G>T (NM_001319034.2); c.3582+1184G>T (NM_001008844.3); short protein forms C1589F.
Identifiers: ClinVar variation 1975138 (VCV001975138.5), dbSNP rs1315427403, ClinGen allele CA362687106.